The following is an entry in ClinVar:

NM_004539.4(NARS1):c.342+4A>G

Gene: NARS1 (asparaginyl-tRNA synthetase 1; minus strand). Cytogenetic location: 18q21.31.
Variant type: single nucleotide variant.
Coding change: c.342+4A>G on transcript NM_004539.4 (MANE Select); 4 bases into the intron after coding-DNA position 342, A replaced by G.
Molecular consequence: intron variant.
Genome position (GRCh38, 1-based): chr18:57,615,637, T>C on the plus strand (A>G on the coding strand, the complement: NARS1 is on the minus strand). VCF-style: chr18-57615637-T-C. GRCh37 (hg19) VCF-style: chr18-55282869-T-C.
Other names: NC_000018.9:g.55282869T>C.
Identifiers: ClinVar variation 3175661 (VCV003175661.9), dbSNP rs199629072, ClinGen allele CA8973753.
Genomic context (GRCh38, chr18:57,615,637, plus strand): 5'-ATACACAGAAATAATGATCTGATGTAGCCAAGTCCACGGTATTTGAAAAGATAAACAAAC[T>C]TACACATTTTGGCTCTGGGAGACTTGGATCATTTTTAATGGTAATCTTCTTTGCTTCTTC-3'

ClinVar aggregate classification (germline): Uncertain significance. Review status: criteria provided, multiple submitters, no conflicts (2 of 4 stars). 2 submissions from 2 submitters: Uncertain significance (2). Last evaluated 2025-08-01.

Allele frequency attached by ClinVar (database versions not stated): gnomAD 0.00013; TOPMed 0.00019; ExAC 0.00021; gnomAD exomes 0.00023; ESP Exome Variant Server 0.00038.
gnomAD v4.1: 343 of 1,593,990 alleles (0.022%); highest among the groups gnomAD compares: Non-Finnish European, 0.028%; no homozygotes.

Submissions (3):

CeGaT Center for Human Genetics Tuebingen
Classification: Uncertain significance. Last evaluated: 2025-08-01. Review status: criteria provided, single submitter. Criteria: CeGaT Center For Human Genetics Tuebingen Variant Classification Criteria Version 2. Collection method: clinical testing. Allele origin: germline. Affected: yes. Observed: 2 variant alleles.
Comment: NARS1: PM2, PP3

Ambry Genetics
Classification: Uncertain significance. Last evaluated: 2021-10-09. Review status: criteria provided, single submitter. Criteria: Ambry Variant Classification Scheme 2023. Collection method: clinical testing. Allele origin: germline.
Comment: Unlikely to be causative of cytoplasmic asparaginyl-tRNA synthetase deficiency (AD) Based on insufficient or conflicting evidence, the clinical significance of this alteration remains unclear.

Dr. Peter K. Rogan Lab, Western University
No classification provided (evidence only). Condition: Uterine carcinosarcoma. Review status: no classification provided. Collection method: in vitro. Allele origin: not applicable. Functional consequence: skipped exon. Not counted in ClinVar's aggregate classification.